The following is an entry in ClinVar:

NM_001384732.1(CPLANE1):c.6937A>G (p.Asn2313Asp)

Gene: CPLANE1 (ciliogenesis and planar polarity effector complex subunit 1; minus strand). Cytogenetic location: 5p13.2.
Variant type: single nucleotide variant.
Coding change: c.6937A>G on transcript NM_001384732.1 (MANE Select); coding-DNA position 6937, A replaced by G.
Protein change: p.Asn2313Asp; replaces asparagine 2313 with aspartic acid.
Molecular consequence: missense variant.
Genome position (GRCh38, 1-based): chr5:37,169,087, T>C on the plus strand (A>G on the coding strand, the complement: CPLANE1 is on the minus strand). VCF-style: chr5-37169087-T-C. GRCh37 (hg19) VCF-style: chr5-37169189-T-C.
Other names: c.6937A>G, p.Asn2313Asp (NM_023073.4); c.6937A>G (NM_023073.3); short protein forms N2313D.
Identifiers: ClinVar variation 2154370 (VCV002154370.5), dbSNP rs150094586, ClinGen allele CA3238167.

ClinVar aggregate classification (germline): Uncertain significance. Review status: criteria provided, multiple submitters, no conflicts (2 of 4 stars). 2 submissions from 2 submitters: Uncertain significance (2). Last evaluated 2025-03-03.

Conditions:
Joubert syndrome 17 (JBTS17). Identifiers: Orphanet 475, MedGen C3553264, MONDO:0013824, OMIM 614615.
Orofaciodigital syndrome type 6 (OFD6). Also called: OROFACIODIGITAL SYNDROME VI; OFDS VI; POLYDACTYLY, CLEFT LIP/PALATE OR LINGUAL LUMP, AND PSYCHOMOTOR RETARDATION; VARADI SYNDROME; VARADI-PAPP SYNDROME; Oral-facial-digital syndrome type 6. Identifiers: Orphanet 2754, MedGen C2745997, MONDO:0010176, OMIM 277170.

Allele frequency attached by ClinVar (database versions not stated): gnomAD exomes below 0.00001; ExAC 0.00002; gnomAD 0.00003; TOPMed 0.00007; ESP Exome Variant Server 0.00023.
gnomAD v4.1: 7 of 1,614,084 alleles (0.00043%); highest among the groups gnomAD compares: African/African-American, 0.0093%; no homozygotes.

Submissions (2):

Labcorp Genetics (formerly Invitae), Labcorp
Classification: Uncertain significance. Last evaluated: 2025-03-03. Review status: criteria provided, single submitter. Criteria: Invitae Variant Classification Sherloc (09022015). Collection method: clinical testing. Allele origin: germline.
Comment: This sequence change replaces asparagine, which is neutral and polar, with aspartic acid, which is acidic and polar, at codon 2313 of the CPLANE1 protein (p.Asn2313Asp). This variant is present in population databases (rs150094586, gnomAD 0.02%). This variant has not been reported in the literature in individuals affected with CPLANE1-related conditions. ClinVar contains an entry for this variant (Variation ID: 2154370). Invitae Evidence Modeling of protein sequence and biophysical properties (such as structural, functional, and spatial information, amino acid conservation, physicochemical variation, residue mobility, and thermodynamic stability) indicates that this missense variant is not expected to disrupt CPLANE1 protein function with a negative predictive value of 95%. In summary, the available evidence is currently insufficient to determine the role of this variant in disease. Therefore, it has been classified as a Variant of Uncertain Significance.

Fulgent Genetics
Classification: Uncertain significance for Orofaciodigital syndrome type 6; Joubert syndrome 17. Last evaluated: 2023-12-29. Review status: criteria provided, single submitter. Criteria: ACMG Guidelines, 2015. Collection method: clinical testing. Allele origin: germline.